The following is an entry in ClinVar:

ClinVar aggregate classification (germline): Uncertain significance (1 of 4 stars; one submission).

Conditions:
Hereditary hemochromatosis (HFE). Identifiers: MedGen C0392514, MONDO:0006507. Disease mechanism: loss of function.

Allele frequency attached by ClinVar (database versions not stated): gnomAD 0.00001; ExAC 0.00006.
gnomAD v4.1: 27 of 1,550,120 alleles (0.0017%); highest among the groups gnomAD compares: Middle Eastern, 0.019%; no homozygotes.

Submission:

Labcorp Genetics (formerly Invitae), Labcorp
Classification: Uncertain significance for Hereditary hemochromatosis. Last evaluated: 2022-04-21. Review status: criteria provided, single submitter. Criteria: Invitae Variant Classification Sherloc (09022015). Collection method: clinical testing. Allele origin: germline.
Comment: This sequence change replaces glycine, which is neutral and non-polar, with arginine, which is basic and polar, at codon 647 of the TFR2 protein (p.Gly647Arg). This variant is present in population databases (rs759540608, gnomAD 0.002%). This missense change has been observed in individual(s) with clinical features of hemochromatosis (Invitae). Algorithms developed to predict the effect of missense changes on protein structure and function (SIFT, PolyPhen-2, Align-GVGD) all suggest that this variant is likely to be disruptive. Algorithms developed to predict the effect of sequence changes on RNA splicing suggest that this variant may create or strengthen a splice site. In summary, the available evidence is currently insufficient to determine the role of this variant in disease. Therefore, it has been classified as a Variant of Uncertain Significance.

NM_003227.4(TFR2):c.1939G>A (p.Gly647Arg)

Gene: TFR2 (transferrin receptor 2; minus strand). Cytogenetic location: 7q22.1.
Variant type: single nucleotide variant.
Coding change: c.1939G>A on transcript NM_003227.4 (MANE Select); coding-DNA position 1939, G replaced by A.
Protein change: p.Gly647Arg; replaces glycine 647 with arginine.
Molecular consequence: missense variant.
Genome position (GRCh38, 1-based): chr7:100,627,320, C>T on the plus strand (G>A on the coding strand, the complement: TFR2 is on the minus strand). VCF-style: chr7-100627320-C-T. GRCh37 (hg19) VCF-style: chr7-100224943-C-T.
Other names: c.1426G>A, p.Gly476Arg (NM_001206855.3); short protein forms G476R, G647R.
Identifiers: ClinVar variation 2042063 (VCV002042063.1), dbSNP rs759540608, ClinGen allele CA4386239.